The following is an entry in ClinVar:

ClinVar aggregate classification (germline): Likely benign (1 of 4 stars; one submission).

Submission:

CeGaT Center for Human Genetics Tuebingen
Classification: Likely benign. Last evaluated: 2026-02-01. Review status: criteria provided, single submitter. Criteria: CeGaT Center For Human Genetics Tuebingen Variant Classification Criteria Version 2. Collection method: clinical testing. Allele origin: germline. Affected: yes. Observed: 1 variant allele.
Comment: BICRA: BP4, BP7

NM_001394372.1(BICRA):c.4011C>T (p.Pro1337=)

Gene: BICRA (BRD4 interacting chromatin remodeling complex associated protein; plus strand). Cytogenetic location: 19q13.33.
Variant type: single nucleotide variant.
Coding change: c.4011C>T on transcript NM_001394372.1 (MANE Select); coding-DNA position 4011, C replaced by T.
Protein change: p.Pro1337=; no amino-acid change (proline 1337 retained).
Molecular consequence: synonymous variant.
Genome position (GRCh38, 1-based): chr19:47,701,743, C>T. VCF-style: chr19-47701743-C-T. GRCh37 (hg19) VCF-style: chr19-48205000-C-T.
Other names: c.4011C>T, p.Pro1337= (NM_015711.3).
Identifiers: ClinVar variation 4821871 (VCV004821871.4).
Genomic context (GRCh38, chr19:47,701,743, plus strand): 5'-GCTCAGCAAGGTCGTGCACAACACGGCCCTGGACCCCGTGCACCAGCCCCCGCCACCCCC[C>T]GCTACCCTCAAGGTGGCCGAGCCCCCGCCACGGCCGCCACCACCACCGCCGCCCACGGGC-3'
Protein context (NP_001381301.1, residues 1327-1347): LDPVHQPPPP[Pro1337=]ATLKVAEPPP